The following is an entry in ClinVar:

NC_000006.12:g.(?_80106674)_(80106909_?)del

Gene: BCKDHB (branched chain keto acid dehydrogenase E1 subunit beta; plus strand). Cytogenetic location: 6q14.1.
Variant type: Deletion.
Identifiers: ClinVar variation 832004 (VCV000832004.1).

ClinVar aggregate classification (germline): Pathogenic (1 of 4 stars; one submission).

Conditions:
Maple syrup urine disease (MSUD). Identifiers: Orphanet 511, MedGen C0024776, MeSH D008375, MONDO:0009563. Disease mechanism: loss of function.

Submission:

Labcorp Genetics (formerly Invitae), Labcorp
Classification: Pathogenic for Maple syrup urine disease. Last evaluated: 2019-10-28. Review status: criteria provided, single submitter. Criteria: Invitae Variant Classification Sherloc (09022015). Collection method: clinical testing. Allele origin: germline.
Comment: This variant is a gross deletion of the genomic region encompassing exon 1 of the BCKDHB gene, which includes the initiator codon. The 5' end of this event is unknown as it extends beyond the assayed region for this gene and therefore may encompass additional genes. The 3' boundary is likely confined to intron 1 of the BCKDHB gene. This is expected to result in an absent or disrupted protein product. This variant has been observed in an individual affected with maple syrup urine disease (PMID: 26257134). Loss-of-function variants in BCKDHB are known to be pathogenic (PMID: 16786533, 22593002). For these reasons, this variant has been classified as Pathogenic.

Literature cited by the submitters: PubMed 26257134.